The following is an entry in ClinVar:

NM_004706.4(ARHGEF1):c.2308C>T (p.Arg770Cys)

Gene: ARHGEF1 (Rho guanine nucleotide exchange factor 1; plus strand). Cytogenetic location: 19q13.2.
Variant type: single nucleotide variant.
Coding change: c.2308C>T on transcript NM_004706.4 (MANE Select); coding-DNA position 2308, C replaced by T.
Protein change: p.Arg770Cys; replaces arginine 770 with cysteine.
Molecular consequence: missense variant. On other transcripts: non-coding transcript variant (1).
Genome position (GRCh38, 1-based): chr19:41,905,233, C>T. VCF-style: chr19-41905233-C-T. GRCh37 (hg19) VCF-style: chr19-42409385-C-T.
Other names: c.2476C>T, p.Arg826Cys (NM_001396000.1); c.2209C>T, p.Arg737Cys (NM_001396002.1, NM_001396004.1, NM_198977.2); c.2308C>T, p.Arg770Cys (NM_001396003.1, NM_001396006.1); c.2353C>T (NM_199002.1); c.2353C>T, p.Arg785Cys (NM_199002.2); short protein forms R826C, R737C, R770C, R785C.
Identifiers: ClinVar variation 2797350 (VCV002797350.4), dbSNP rs2513916862, ClinGen allele CA406065754.

ClinVar aggregate classification (germline): Uncertain significance. Review status: criteria provided, multiple submitters, no conflicts (2 of 4 stars). 2 submissions from 2 submitters: Uncertain significance (2). Last evaluated 2023-11-15.

Submissions (2):

Ambry Genetics
Classification: Uncertain significance. Last evaluated: 2023-11-15. Review status: criteria provided, single submitter. Criteria: Ambry Variant Classification Scheme 2023. Collection method: clinical testing. Allele origin: germline.

Labcorp Genetics (formerly Invitae), Labcorp
Classification: Uncertain significance. Last evaluated: 2023-11-14. Review status: criteria provided, single submitter. Criteria: Invitae Variant Classification Sherloc (09022015). Collection method: clinical testing. Allele origin: germline.
Comment: This sequence change replaces arginine, which is basic and polar, with cysteine, which is neutral and slightly polar, at codon 785 of the ARHGEF1 protein (p.Arg785Cys). This variant is not present in population databases (gnomAD no frequency). This variant has not been reported in the literature in individuals affected with ARHGEF1-related conditions. An algorithm developed to predict the effect of missense changes on protein structure and function (PolyPhen-2) suggests that this variant is likely to be disruptive. In summary, the available evidence is currently insufficient to determine the role of this variant in disease. Therefore, it has been classified as a Variant of Uncertain Significance.